The following is an entry in ClinVar:

ClinVar aggregate classification (germline): Pathogenic/Likely pathogenic. Review status: criteria provided, multiple submitters, no conflicts (2 of 4 stars). 2 submissions from 2 submitters: Pathogenic (1); Likely pathogenic (1). Last evaluated 2024-06-12.

Conditions:
Fatal mitochondrial disease due to combined oxidative phosphorylation defect type 3. Also called: ENCEPHALOMYOPATHY, RESPIRATORY FAILURE, AND LACTIC ACIDOSIS; Combined oxidative phosphorylation deficiency 3. Identifiers: Orphanet 168566, MedGen C1864840, MONDO:0012512, OMIM 610505.

Allele frequency attached by ClinVar (database versions not stated): ExAC 0.00001; gnomAD exomes 0.00001 and 0.00002; TOPMed 0.00002; ESP Exome Variant Server 0.00008.
gnomAD v4.1: 34 of 1,613,490 alleles (0.0021%); highest among the groups gnomAD compares: Non-Finnish European, 0.0028%; no homozygotes.

Submissions (2):

Natera, Inc.
Classification: Likely pathogenic for Combined oxidative phosphorylation deficiency 3. Last evaluated: 2024-06-12. Review status: criteria provided, single submitter. Criteria: Natera Variant Classification Schema (03/2026). Collection method: clinical testing. Allele origin: germline.
Comment: The c.620T>A variant in TSFM is a nonsense variant predicted to introduce a stop codon at amino acid 207. This variant is expected to result in nonsense mediated decay, truncation, or a dysfunctional protein product. This variant is rare in the general population with a frequency below the threshold expected for the associated phenotype(s). Given the available evidence, this variant is classified as Likely Pathogenic.

Labcorp Genetics (formerly Invitae), Labcorp
Classification: Pathogenic. Last evaluated: 2024-02-01. Review status: criteria provided, single submitter. Criteria: Invitae Variant Classification Sherloc (09022015). Collection method: clinical testing. Allele origin: germline.
Comment: This sequence change creates a premature translational stop signal (p.Leu207*) in the TSFM gene. While this is not anticipated to result in nonsense mediated decay, it is expected to disrupt the last 140 amino acid(s) of the TSFM protein. This variant is present in population databases (rs373811833, gnomAD 0.01%). This variant has not been reported in the literature in individuals affected with TSFM-related conditions. ClinVar contains an entry for this variant (Variation ID: 845374). Algorithms developed to predict the effect of sequence changes on RNA splicing suggest that this variant may disrupt the consensus splice site. This variant disrupts a region of the TSFM protein in which other variant(s) (p.Arg333Trp, p.Gln324Argfs*11) have been determined to be pathogenic (PMID: 17033963, 20435138, 21741925, 22277967). This suggests that this is a clinically significant region of the protein, and that variants that disrupt it are likely to be disease-causing. For these reasons, this variant has been classified as Pathogenic.

Literature cited by the submitters: PubMed 17033963 (cited by Labcorp Genetics (formerly Invitae), Labcorp); PubMed 20435138 (cited by Labcorp Genetics (formerly Invitae), Labcorp); PubMed 21741925 (cited by Labcorp Genetics (formerly Invitae), Labcorp); PubMed 22277967 (cited by Labcorp Genetics (formerly Invitae), Labcorp).

NM_005726.6(TSFM):c.557T>A (p.Leu186Ter)

Gene: TSFM (Ts translation elongation factor, mitochondrial; plus strand). Cytogenetic location: 12q14.1.
Variant type: single nucleotide variant.
Coding change: c.557T>A on transcript NM_005726.6 (MANE Select); coding-DNA position 557, T replaced by A.
Protein change: p.Leu186Ter; replaces leucine 186 with a stop codon.
Molecular consequence: nonsense. On other transcripts: intron variant (1).
Genome position (GRCh38, 1-based): chr12:57,793,059, T>A. VCF-style: chr12-57793059-T-A. GRCh37 (hg19) VCF-style: chr12-58186842-T-A.
Other names: c.620T>A, p.Leu207Ter (NM_001172696.2); c.557T>A, p.Leu186Ter (NM_001172697.2); c.484-3118T>A (NM_001172695.2); short protein forms L207*, L186*.
Identifiers: ClinVar variation 845374 (VCV000845374.11), dbSNP rs373811833, ClinGen allele CA6659395.
Genomic context (GRCh38, chr12:57,793,059, plus strand): 5'-CCTCTGAGCTTTCTGGACTTCCAGCTGGGCCTGACAGAGAAGGCTCACTCAAGGATCAGT[T>A]GGCTTTAGCAATTGGTGAGTATTTGTAAAGGTTCTGGAAACTGGAAATTAGGGACTGGAT-3'